The following is an entry in ClinVar:

ClinVar aggregate classification (germline): Likely pathogenic. Review status: criteria provided, single submitter (1 of 4 stars). 2 submissions from 2 submitters: Likely pathogenic (1). 1 of the submissions does not count toward it. Last evaluated 2022-03-22.

Conditions:
Alpha thalassemia-X-linked intellectual disability syndrome (ATRX). Also called: ALPHA-THALASSEMIA/MENTAL RETARDATION SYNDROME, X-LINKED; X-linked alpha-thalassemia-mental retardation syndrome; ATR, NONDELETION TYPE; ALPHA-THALASSEMIA/IMPAIRED INTELLECTUAL DEVELOPMENT SYNDROME, X-LINKED; ATR-X syndrome; Alpha thalassemia mental retardation syndrome, nondeletion type, X-linked. Identifiers: Orphanet 847, MedGen C1845055, MONDO:0010519, OMIM 301040.

Submissions (2):

GeneDx
Classification: Likely pathogenic. Last evaluated: 2022-03-22. Review status: criteria provided, single submitter. Criteria: GeneDx Variant Classification Process June 2021. Collection method: clinical testing. Allele origin: germline. Affected: yes.
Comment: Not observed at significant frequency in large population cohorts (gnomAD); In silico analysis supports that this missense variant has a deleterious effect on protein structure/function; Observed in an individual with ATRX-related disorder in published literature (Mitson et al., 2011); This variant is associated with the following publications: (PMID: 7697714, 21505078, 18409179)

OMIM
Classification: Pathogenic for ALPHA-THALASSEMIA/IMPAIRED INTELLECTUAL DEVELOPMENT SYNDROME, X-LINKED. Last evaluated: 1995-03-24. Review status: no assertion criteria provided. Collection method: literature only. Allele origin: germline. Not counted in ClinVar's aggregate classification.

Literature cited by the submitters: PubMed 7697714 (cited by OMIM).

NM_000489.6(ATRX):c.4826A>G (p.His1609Arg)

Gene: ATRX (ATRX chromatin remodeler; minus strand). Cytogenetic location: Xq21.1.
Variant type: single nucleotide variant.
Coding change: c.4826A>G on transcript NM_000489.6 (MANE Select); coding-DNA position 4826, A replaced by G.
Protein change: p.His1609Arg; replaces histidine 1609 with arginine.
Molecular consequence: missense variant.
Genome position (GRCh38, 1-based): chrX:77,633,696, T>C on the plus strand (A>G on the coding strand, the complement: ATRX is on the minus strand). VCF-style: chrX-77633696-T-C. GRCh37 (hg19) VCF-style: chrX-76889184-T-C.
Other names: H750R; c.4712A>G, p.His1571Arg (NM_138270.5); short protein forms H1571R, H1609R.
Identifiers: ClinVar variation 11721 (VCV000011721.4), dbSNP rs122445093, ClinGen allele CA256016.